The following is an entry in ClinVar:

ClinVar aggregate classification (germline): Uncertain significance. Review status: criteria provided, multiple submitters, no conflicts (2 of 4 stars). 5 submissions from 5 submitters: Uncertain significance (5). Last evaluated 2025-12-03.

Conditions:
Loeys-Dietz syndrome 2 (LDS2). Also called: AORTIC ANEURYSM, FAMILIAL THORACIC 3; MARFAN SYNDROME, TYPE II; Marfan Syndrome type 2; Marfan like connective tissue disorder; MFS 2; TGFBR2-Related Loeys-Dietz Syndrome. Identifiers: Orphanet 284973, Orphanet 558, MedGen C2674574, MONDO:0012427, OMIM 610168.
Malignant tumor of esophagus. Also called: Esophageal cancer; Esophageal cancer, somatic. Identifiers: Orphanet 99977, MedGen C0546837, MONDO:0007576, OMIM 133239.
Colorectal cancer, hereditary nonpolyposis, type 6. Also called: Colon cancer, hereditary nonpolyposis, type 6; Colon cancer, hereditary nonpolyposis, type 6, somatic. Identifiers: Orphanet 144, MedGen C1860896, MONDO:0013695, OMIM 614331.
Familial thoracic aortic aneurysm and aortic dissection (TAAD). Also called: Thoracic aortic aneurysms and dissections. Identifiers: Orphanet 91387, MedGen C4707243, MONDO:0019625.

Allele frequency attached by ClinVar (database versions not stated): TOPMed below 0.00001.

Submissions (5):

Labcorp Genetics (formerly Invitae), Labcorp
Classification: Uncertain significance for Familial thoracic aortic aneurysm and aortic dissection. Last evaluated: 2025-12-03. Review status: criteria provided, single submitter. Criteria: Invitae Variant Classification Sherloc (09022015). Collection method: clinical testing. Allele origin: germline.
Comment: This sequence change replaces alanine, which is neutral and non-polar, with threonine, which is neutral and polar, at codon 310 of the TGFBR2 protein (p.Ala310Thr). This variant is not present in population databases (gnomAD no frequency). This variant has not been reported in the literature in individuals affected with TGFBR2-related conditions. ClinVar contains an entry for this variant (Variation ID: 547811). Invitae Evidence Modeling of protein sequence and biophysical properties (such as structural, functional, and spatial information, amino acid conservation, physicochemical variation, residue mobility, and thermodynamic stability) has been performed for this missense variant. However, the output from this modeling did not meet the statistical confidence thresholds required to predict the impact of this variant on TGFBR2 protein function. In summary, the available evidence is currently insufficient to determine the role of this variant in disease. Therefore, it has been classified as a Variant of Uncertain Significance.

Color Diagnostics, LLC DBA Color Health
Classification: Uncertain significance for Familial thoracic aortic aneurysm and aortic dissection. Last evaluated: 2024-03-06. Review status: criteria provided, single submitter. Criteria: ACMG Guidelines, 2015. Collection method: clinical testing. Allele origin: germline.
Comment: This missense variant replaces alanine with threonine at codon 335 of the TGFBR2 protein. Computational prediction tools and conservation analyses suggest that this variant may not impact protein structure and function. Splice site prediction tools suggest that this variant may not impact RNA splicing. To our knowledge, functional studies have not been performed for this variant. Computational prediction tool suggests that this variant may not impact protein structure and function (internally defined REVEL score threshold <=0.5, PMID: 27666373). This variant has not been identified in the general population by the Genome Aggregation Database (gnomAD). The available evidence is insufficient to determine the role of this variant in disease conclusively. Therefore, this variant is classified as a Variant of Uncertain Significance.

All of Us Research Program, National Institutes of Health
Classification: Uncertain significance for Loeys-Dietz syndrome 2. Last evaluated: 2023-04-27. Review status: criteria provided, single submitter. Criteria: ACMG Guidelines, 2015. Collection method: clinical testing. Allele origin: germline. Inheritance: Autosomal dominant inheritance. Observed: 1 variant allele, 1 heterozygote.
Comment: This missense variant replaces alanine with threonine at codon 335 of the TGFBR2 protein. Computational prediction tools and conservation analyses suggest that this variant may not impact protein structure and function. Splice site prediction tools suggest that this variant may not impact RNA splicing. To our knowledge, functional studies have not been performed for this variant. Computational prediction tool suggests that this variant may not impact protein structure and function (internally defined REVEL score threshold <=0.5, PMID: 27666373). This variant has not been identified in the general population by the Genome Aggregation Database (gnomAD). The available evidence is insufficient to determine the role of this variant in disease conclusively. Therefore, this variant is classified as a Variant of Uncertain Significance.

This study involves interpretation of variants in research participants for the purpose of population health screening. Participant phenotype was not available at the time of variant classification. Additional details can be found in publication PMID: 35346344, PMCID: PMC8962531

Fulgent Genetics
Classification: Uncertain significance for Malignant tumor of esophagus; Loeys-Dietz syndrome 2; Colorectal cancer, hereditary nonpolyposis, type 6. Last evaluated: 2021-10-08. Review status: criteria provided, single submitter. Criteria: ACMG Guidelines, 2015. Collection method: clinical testing. Allele origin: unknown.

Center for Human Genetics, Inc
Classification: Uncertain significance for Familial thoracic aortic aneurysm and aortic dissection. Last evaluated: 2016-11-01. Review status: criteria provided, single submitter. Criteria: ACMG Guidelines, 2015. Collection method: clinical testing. Allele origin: germline. Affected: yes.

NM_003242.6(TGFBR2):c.928G>A (p.Ala310Thr)

Gene: TGFBR2 (transforming growth factor beta receptor 2; plus strand). Cytogenetic location: 3p24.1.
Variant type: single nucleotide variant.
Coding change: c.928G>A on transcript NM_003242.6 (MANE Select); coding-DNA position 928, G replaced by A.
Protein change: p.Ala310Thr; replaces alanine 310 with threonine.
Molecular consequence: missense variant.
Genome position (GRCh38, 1-based): chr3:30,672,111, G>A. VCF-style: chr3-30672111-G-A. GRCh37 (hg19) VCF-style: chr3-30713603-G-A.
Other names: c.1003G>A, p.Ala335Thr (NM_001024847.3); c.1111G>A, p.Ala371Thr (NM_001407126.1); c.1036G>A, p.Ala346Thr (NM_001407127.1); c.955G>A, p.Ala319Thr (NM_001407128.1); c.931G>A, p.Ala311Thr (NM_001407129.1); c.928G>A, p.Ala310Thr (NM_001407130.1); c.823G>A, p.Ala275Thr (NM_001407132.1, NM_001407133.1, NM_001407134.1 and 2 more transcripts); c.643G>A, p.Ala215Thr (NM_001407137.1); and 1 more; short protein forms A310T, A335T, A319T, A215T, A275T, A371T, A190T, A311T.
Identifiers: ClinVar variation 547811 (VCV000547811.12), dbSNP rs1553630181, ClinGen allele CA351808185.